The following is an entry in ClinVar:

NM_000170.3(GLDC):c.2293C>T (p.Pro765Ser)

Gene: GLDC (glycine decarboxylase; minus strand). Cytogenetic location: 9p24.1.
Variant type: single nucleotide variant.
Coding change: c.2293C>T on transcript NM_000170.3 (MANE Select); coding-DNA position 2293, C replaced by T.
Protein change: p.Pro765Ser; replaces proline 765 with serine.
Molecular consequence: missense variant.
Genome position (GRCh38, 1-based): chr9:6,554,691, G>A on the plus strand (C>T on the coding strand, the complement: GLDC is on the minus strand). VCF-style: chr9-6554691-G-A. GRCh37 (hg19) VCF-style: chr9-6554691-G-A.
Other names: short protein forms P765S.
Identifiers: ClinVar variation 56070 (VCV000056070.6), dbSNP rs386833551, ClinGen allele CA263353.

ClinVar aggregate classification (germline): Conflicting classifications of pathogenicity. Review status: criteria provided, conflicting classifications (1 of 4 stars). 4 submissions from 4 submitters: Likely pathogenic (1); Uncertain significance (2). 1 of the submissions does not count toward it. Last evaluated 2025-07-03.

Conditions:
Glycine encephalopathy. Also called: Nonketotic hyperglycinemia; Non-ketotic hyperglycinemia. Identifiers: Orphanet 407, MedGen C0751748, MONDO:0011612, HP:0008288.

Allele frequency attached by ClinVar (database versions not stated): ExAC 0.00001; gnomAD exomes below 0.00001.

Submissions (4):

Women's Health and Genetics/Laboratory Corporation of America, LabCorp
Classification: Uncertain significance. Last evaluated: 2025-07-03. Review status: criteria provided, single submitter. Criteria: LabCorp Variant Classification Summary - May 2015. Collection method: clinical testing. Allele origin: germline.
Comment: Variant summary: GLDC c.2293C>T (p.Pro765Ser) results in a non-conservative amino acid change in the encoded protein sequence. Algorithms developed to predict the effect of missense changes on protein structure and function all suggest that this variant is likely to be disruptive. The variant allele was found at a frequency of 4e-06 in 250490 control chromosomes. The available data on variant occurrences in the general population are insufficient to allow any conclusion about variant significance. c.2293C>T has been observed in an individual affected with Glycine Encephalopathy (Non-Ketotic Hyperglycinemia) (Kure_2006). These report(s) do not provide unequivocal conclusions about association of the variant with Glycine Encephalopathy (Non-Ketotic Hyperglycinemia). To our knowledge, no experimental evidence demonstrating an impact on protein function has been reported. The following publication have been ascertained in the context of this evaluation (PMID: 16450403). ClinVar contains an entry for this variant (Variation ID: 56070). Based on the evidence outlined above, the variant was classified as uncertain significance.

Baylor Genetics
Classification: Uncertain significance for Glycine encephalopathy 1. Last evaluated: 2018-08-30. Review status: criteria provided, single submitter. Criteria: ACMG Guidelines, 2015. Collection method: clinical testing. Allele origin: paternal. Affected: yes.
Comment: This variant was determined to be of uncertain significance according to ACMG Guidelines, 2015 [PMID:25741868].

GeneDx
Classification: Likely pathogenic. Last evaluated: 2016-11-29. Review status: criteria provided, single submitter. Criteria: GeneDx Variant Classification (06012015). Collection method: clinical testing. Allele origin: germline. Affected: yes.
Comment: The P765S variant in the GLDC gene has been reported previously in one individual with neonatalnonketotic hyperglycinemia, although a second GLDC pathogenic variant was not identified in thisindividual (Kure et al., 2006). This variant was not observed in approximately 6500 individuals ofEuropean and African American ancestry in the NHLBI Exome Sequencing Project, indicating it is nota common benign variant in these populations. The P765S variant is a non-conservative amino acidsubstitution, which is likely to impact secondary protein structure as these residues differ in polarity,charge, size and/or other properties. This substitution occurs at a position that is conserved acrossspecies, and in silico analysis predicts this variant is probably damaging to the proteinstructure/function. Missense variants in nearby residues (H760Q, G761R, G762R, G766C, P769L)have been reported in the Human Gene Mutation Database in association with nonketotichyperglycinemia (Stenson et al., 2014), supporting the functional importance of this region of theprotein.The P765S variant is a strong candidate for a pathogenic variant.

Juha Muilu Group; Institute for Molecular Medicine Finland (FIMM)
Classification: Likely pathogenic for Non-ketotic hyperglycinemia. Review status: no assertion criteria provided. Collection method: not provided. Allele origin: unknown. Not counted in ClinVar's aggregate classification.
Comment: FinDis database variant: This variant was not found or characterized by our laboratory, data were collected from public sources: see reference
ClinVar note: Converted during submission from probable-pathogenic to Likely pathogenic.

Literature cited by the submitters: PubMed 16450403 (cited by Women's Health and Genetics/Laboratory Corporation of America, LabCorp).